The following is an entry in ClinVar:

NM_000521.4(HEXB):c.509G>A (p.Arg170Gln)

Gene: HEXB (hexosaminidase subunit beta; plus strand). Cytogenetic location: 5q13.3.
Variant type: single nucleotide variant.
Coding change: c.509G>A on transcript NM_000521.4 (MANE Select); coding-DNA position 509, G replaced by A.
Protein change: p.Arg170Gln; replaces arginine 170 with glutamine.
Molecular consequence: missense variant. On other transcripts: 5 prime UTR variant (1).
Genome position (GRCh38, 1-based): chr5:74,693,702, G>A. VCF-style: chr5-74693702-G-A. GRCh37 (hg19) VCF-style: chr5-73989527-G-A.
Other names: c.-167G>A (NM_001292004.2); short protein forms R170Q.
Identifiers: ClinVar variation 633264 (VCV000633264.3), dbSNP rs759538325, ClinGen allele CA3305851.

ClinVar aggregate classification (germline): Uncertain significance. Review status: criteria provided, multiple submitters, no conflicts (2 of 4 stars). 3 submissions from 3 submitters: Uncertain significance (2). 1 of the submissions does not count toward it. Last evaluated 2025-02-28.

Conditions:
Sandhoff disease. Also called: Beta-hexosaminidase-beta-subunit deficiency; GM2 gangliosidosis, type 2; Total hexosaminidase deficiency; Sandhoff-Jatzkewitz-Pilz disease; GM2-GANGLIOSIDOSIS, TYPE II; HEXOSAMINIDASES A AND B DEFICIENCY. Identifiers: Orphanet 796, MedGen C0036161, MONDO:0010006, OMIM 268800.

Allele frequency attached by ClinVar (database versions not stated): ExAC 0.00001; gnomAD exomes 0.00001; TOPMed 0.00001.
gnomAD v4.1: 38 of 1,609,878 alleles (0.0024%); highest among the groups gnomAD compares: Non-Finnish European, 0.0031%; no homozygotes.

Submissions (3):

GeneDx
Classification: Uncertain significance. Last evaluated: 2025-02-28. Review status: criteria provided, single submitter. Criteria: GeneDx Variant Classification Process June 2021. Collection method: clinical testing. Allele origin: germline. Affected: yes.
Comment: Not observed at significant frequency in large population cohorts (gnomAD); In silico analysis supports that this missense variant has a deleterious effect on protein structure/function; Ou L et al. (2019) Mol Genet Metab Rep. 20 :100495 (PMID: 31367523); This variant is associated with the following publications: (PMID: 25326804)

Women's Health and Genetics/Laboratory Corporation of America, LabCorp
Classification: Uncertain significance. Last evaluated: 2018-10-25. Review status: criteria provided, single submitter. Criteria: LabCorp Variant Classification Summary - May 2015. Collection method: clinical testing. Allele origin: germline.
Comment: Variant summary: HEXB c.509G>A (p.Arg170Gln) results in a conservative amino acid change located in the Beta-hexosaminidase, eukaryotic type, N-terminal domain of the encoded protein sequence. Four of five in-silico tools predict a damaging effect of the variant on protein function. The variant allele was found at a frequency of 8.1e-06 in 246246 control chromosomes (gnomAD). The available data on variant occurrences in the general population are insufficient to allow any conclusion about variant significance. To our knowledge, no occurrence of c.509G>A in individuals affected with Sandhoff Disease and no experimental evidence demonstrating its impact on protein function have been reported. No clinical diagnostic laboratories have submitted clinical-significance assessments for this variant to ClinVar after 2014. Based on the evidence outlined above, the variant was classified as uncertain significance.

Natera, Inc.
Classification: Uncertain significance for Sandhoff disease. Last evaluated: 2020-09-16. Review status: no assertion criteria provided. Collection method: clinical testing. Allele origin: germline. Not counted in ClinVar's aggregate classification.